The following is an entry in ClinVar:

ClinVar aggregate classification (germline): Conflicting classifications of pathogenicity. Review status: criteria provided, conflicting classifications (1 of 4 stars). 19 submissions from 15 submitters: Uncertain significance (4); Benign (7); Likely benign (4). 4 of the submissions do not count toward it. Last evaluated 2026-07-01.

Conditions:
Dilated cardiomyopathy 1G (CMD1G). Identifiers: Orphanet 154, MedGen C1858763, MONDO:0011400, OMIM 604145.
Autosomal recessive limb-girdle muscular dystrophy type 2J (LGMDR10). Also called: MUSCULAR DYSTROPHY, LIMB-GIRDLE, AUTOSOMAL RECESSIVE 10; Limb-girdle muscular dystrophy, type 2J. Identifiers: Orphanet 140922, MedGen C1837342, MONDO:0012127, OMIM 608807.
Cardiomyopathy (CMYO). Also called: Cardiomyopathies. Identifiers: Orphanet 167848, MedGen C0878544, MONDO:0004994, HP:0001638. Inheritance: Various modes of inheritance.
Early-onset myopathy with fatal cardiomyopathy (CMYO5). Also called: CONGENITAL MYOPATHY 5 WITH CARDIOMYOPATHY; Salih Myopathy. Identifiers: Orphanet 289377, MedGen C2673677, MONDO:0012714, OMIM 611705. Disease mechanism: loss of function.
Myopathy, myofibrillar, 9, with early respiratory failure (MFM9). Also called: Myopathy, distal, with early respiratory failure, autosomal dominant; Hereditary myopathy with early respiratory failure; MYOPATHY, PROXIMAL, WITH EARLY RESPIRATORY MUSCLE INVOLVEMENT; EDSTROM MYOPATHY. Identifiers: Orphanet 178464, Orphanet 34521, MedGen C1863599, MONDO:0011362, OMIM 603689.
Tibial muscular dystrophy (TMD). Also called: Udd Distal Myopathy – Tibial Muscular Dystrophy; Tibial muscular dystrophy, tardive; UDD MYOPATHY. Identifiers: Orphanet 609, MedGen C1838244, MONDO:0010870, OMIM 600334.

Allele frequency attached by ClinVar (database versions not stated): gnomAD 0.00042 and 0.00043; 1000 Genomes Project 30x 0.00047; ExAC 0.00053; ESP Exome Variant Server 0.00034; TOPMed 0.00049; gnomAD exomes 0.00053 and 0.00076.
gnomAD v4.1: 1,136 of 1,596,270 alleles (0.071%); highest among the groups gnomAD compares: Admixed American, 0.095%; 3 homozygotes.

Submissions (19):

CeGaT Center for Human Genetics Tuebingen
Classification: Likely benign. Last evaluated: 2026-07-01. Review status: criteria provided, single submitter. Criteria: CeGaT Center For Human Genetics Tuebingen Variant Classification Criteria Version 2. Collection method: clinical testing. Allele origin: germline. Affected: yes. Observed: 4 variant alleles.
Comment: TTN: BP4, BP7

Labcorp Genetics (formerly Invitae), Labcorp
Classification: Likely benign for Dilated cardiomyopathy 1G; Autosomal recessive limb-girdle muscular dystrophy type 2J. Last evaluated: 2026-01-28. Review status: criteria provided, single submitter. Criteria: Invitae Variant Classification Sherloc (09022015). Collection method: clinical testing. Allele origin: germline.

Mayo Clinic Laboratories, Mayo Clinic
Classification: Benign. Last evaluated: 2025-01-30. Review status: criteria provided, single submitter. Criteria: ACMG Guidelines, 2015. Collection method: clinical testing. Allele origin: germline. Observed: 3 variant alleles.
Comment: BS1, BS2, BP4, BP7

Blueprint Genetics
Classification: Likely benign. Last evaluated: 2024-11-26. Review status: criteria provided, single submitter. Criteria: ACMG Guidelines, 2015. Collection method: clinical testing. Allele origin: germline.

Women's Health and Genetics/Laboratory Corporation of America, LabCorp
Classification: Benign. Last evaluated: 2024-03-28. Review status: criteria provided, single submitter. Criteria: LabCorp Variant Classification Summary - May 2015. Collection method: clinical testing. Allele origin: germline.

CHEO Genetics Diagnostic Laboratory, Children's Hospital of Eastern Ontario
Classification: Benign for Cardiomyopathy. Last evaluated: 2018-10-11. Review status: criteria provided, single submitter. Criteria: ACMG Guidelines, 2015. Collection method: clinical testing. Allele origin: germline.

Eurofins Ntd Llc (ga)
Classification: Uncertain significance. Last evaluated: 2018-06-14. Review status: criteria provided, single submitter. Criteria: EGL ClinVar v180209 classification definitions. Collection method: clinical testing. Allele origin: germline. Observed: 6 variant alleles, 6 heterozygotes.

Illumina Laboratory Services, Illumina
Classification: Benign for Tibial muscular dystrophy. Last evaluated: 2018-01-13. Review status: criteria provided, single submitter. Criteria: ICSL Variant Classification Criteria 13 December 2019. Collection method: clinical testing. Allele origin: germline.
Comment: This variant was observed in the ICSL laboratory as part of a predisposition screen in an ostensibly healthy population. It had not been previously curated by ICSL or reported in the Human Gene Mutation Database (HGMD: prior to June 1st, 2018), and was therefore a candidate for classification through an automated scoring system. Utilizing variant allele frequency, disease prevalence and penetrance estimates, and inheritance mode, an automated score was calculated to assess if this variant is too frequent to cause the disease. Based on the score and internal cut-off values, a variant classified as benign is not then subjected to further curation. The score for this variant resulted in a classification of benign for this disease.

Illumina Laboratory Services, Illumina
Classification: Benign for Myopathy, myofibrillar, 9, with early respiratory failure. Last evaluated: 2018-01-13. Review status: criteria provided, single submitter. Criteria: ICSL Variant Classification Criteria 13 December 2019. Collection method: clinical testing. Allele origin: germline.
Comment: the same text as in the submission from Illumina Laboratory Services, Illumina above.

Illumina Laboratory Services, Illumina
Classification: Uncertain significance for Dilated cardiomyopathy 1G. Last evaluated: 2018-01-13. Review status: criteria provided, single submitter. Criteria: ICSL Variant Classification Criteria 13 December 2019. Collection method: clinical testing. Allele origin: germline.

Illumina Laboratory Services, Illumina
Classification: Uncertain significance for Autosomal recessive limb-girdle muscular dystrophy type 2J. Last evaluated: 2018-01-13. Review status: criteria provided, single submitter. Criteria: ICSL Variant Classification Criteria 13 December 2019. Collection method: clinical testing. Allele origin: germline.

Illumina Laboratory Services, Illumina
Classification: Uncertain significance for Early-onset myopathy with fatal cardiomyopathy. Last evaluated: 2018-01-13. Review status: criteria provided, single submitter. Criteria: ICSL Variant Classification Criteria 13 December 2019. Collection method: clinical testing. Allele origin: germline.

Athena Diagnostics
Classification: Benign. Last evaluated: 2016-12-30. Review status: criteria provided, single submitter. Criteria: Athena Diagnostics Criteria. Collection method: clinical testing. Allele origin: germline.

GeneDx
Classification: Benign. Last evaluated: 2014-07-28. Review status: criteria provided, single submitter. Criteria: GeneDx Variant Classification (06012015). Collection method: clinical testing. Allele origin: germline. Affected: yes.
Comment: This variant is considered likely benign or benign based on one or more of the following criteria: it is a conservative change, it occurs at a poorly conserved position in the protein, it is predicted to be benign by multiple in silico algorithms, and/or has population frequency not consistent with disease.

Laboratory for Molecular Medicine, Mass General Brigham Personalized Medicine
Classification: Likely benign. Last evaluated: 2012-02-06. Review status: criteria provided, single submitter. Criteria: LMM Criteria. Collection method: clinical testing. Allele origin: germline. Observed: 2 variant alleles.
Comment: Lys6463Lys in exon 77 of TTN: This variant is not expected to have clinical sign ificance because it does not alter an amino acid residue, is not located within the splice consensus sequence and has been identified in 3/6546 European America n chromosomes by the NHLBI Exome Sequencing Project in a broad population (dbSNP rs72648971). Lys6463Lys in exon 77 of TTN (r s72648971; allele frequency = 3/6546) **

Clinical Genetics DNA and cytogenetics Diagnostics Lab, Erasmus MC, Erasmus Medical Center
Classification: Likely benign. Review status: no assertion criteria provided. Collection method: clinical testing. Allele origin: germline. Affected: yes. Study: VKGL Data-share Consensus. Not counted in ClinVar's aggregate classification.

Clinical Genetics, Academic Medical Center
Classification: Benign. Review status: no assertion criteria provided. Collection method: clinical testing. Allele origin: germline. Affected: yes. Study: VKGL Data-share Consensus. Not counted in ClinVar's aggregate classification.

Diagnostic Laboratory, Department of Genetics, University Medical Center Groningen
Classification: Likely benign. Review status: no assertion criteria provided. Collection method: clinical testing. Allele origin: germline. Affected: yes. Study: VKGL Data-share Consensus. Not counted in ClinVar's aggregate classification.

Joint Genome Diagnostic Labs from Nijmegen and Maastricht, Radboudumc and MUMC+
Classification: Benign. Review status: no assertion criteria provided. Collection method: clinical testing. Allele origin: germline. Affected: yes. Study: VKGL Data-share Consensus. Not counted in ClinVar's aggregate classification.

Literature cited by the submitters: PubMed 24503780 (cited by Athena Diagnostics).

NM_001267550.2(TTN):c.23121G>A (p.Lys7707=)

Gene: TTN (titin; minus strand). Cytogenetic location: 2q31.2.
Variant type: single nucleotide variant.
Coding change: c.23121G>A on transcript NM_001267550.2 (MANE Select); coding-DNA position 23121, G replaced by A.
Protein change: p.Lys7707=; no amino-acid change (lysine 7707 retained).
Molecular consequence: synonymous variant. On other transcripts: intron variant (3).
Genome position (GRCh38, 1-based): chr2:178,720,641, C>T on the plus strand (G>A on the coding strand, the complement: TTN is on the minus strand). VCF-style: chr2-178720641-C-T. GRCh37 (hg19) VCF-style: chr2-179585368-C-T.
Other names: p.K7390K:AAG>AAA; p.Lys7390=; c.22170G>A, p.Lys7390= (NM_001256850.1); c.19389G>A, p.Lys6463= (NM_133378.4); c.13282+17441G>A (NM_003319.4); c.13858+17441G>A (NM_133437.4); c.13657+17441G>A (NM_133432.3).
Identifiers: ClinVar variation 46712 (VCV000046712.71), dbSNP rs72648971, ClinGen allele CA282852.
Genomic context (GRCh38, chr2:178,720,641, plus strand): 5'-TCCCGAAATTTCACATTGGAGAATCACATCAGAACCTTTAAGAGCTCCTACTGGAGAAGG[C>T]TTCTGGGTGAAAACAGGAGGTGCTACCAGAAAAAAGGAGATAAACAATGAGAACACTTGC-3'
Protein context (NP_001254479.2, residues 7697-7717): TVKAPPVFTQ[Lys7707=]PSPVGALKGS